The following is an entry in ClinVar:

NM_001024630.4(RUNX2):c.1071del (p.Ser357fs)

Gene: RUNX2 (RUNX family transcription factor 2; plus strand). Cytogenetic location: 6p21.1.
Variant type: Deletion.
Coding change: c.1071del on transcript NM_001024630.4 (MANE Select); coding-DNA position 1071, one base deleted (T; older notation c.1071delT).
Protein change: p.Ser357fs; shifts the reading frame from serine 357.
Molecular consequence: frameshift variant. On other transcripts: intron variant (2).
Genome position (GRCh38, 1-based): chr6:45,545,266, T deleted. VCF-style (leftmost placement, unchanged base first): chr6-45545265-GT-G. GRCh37 (hg19) VCF-style: chr6-45513002-GT-G.
Other names: c.1029del, p.Ser343fs (NM_001369405.1); c.1029delT, p.Ser343Argfs (NM_004348.3); c.1022-1561del (NM_001015051.4); c.980-1561del (NM_001278478.2); short protein forms S357fs, S343fs.
Identifiers: ClinVar variation 2027381 (VCV002027381.4), dbSNP rs2481021978, ClinGen allele CA2580074686.

ClinVar aggregate classification (germline): Pathogenic (1 of 4 stars; one submission).

Submission:

Labcorp Genetics (formerly Invitae), Labcorp
Classification: Pathogenic. Last evaluated: 2022-08-27. Review status: criteria provided, single submitter. Criteria: Invitae Variant Classification Sherloc (09022015). Collection method: clinical testing. Allele origin: germline.
Comment: This variant is not present in population databases (gnomAD no frequency). For these reasons, this variant has been classified as Pathogenic. This variant disrupts a region of the RUNX2 protein in which other variant(s) (p.Gly462*) have been determined to be pathogenic (PMID: 28703881; Invitae). This suggests that this is a clinically significant region of the protein, and that variants that disrupt it are likely to be disease-causing. This variant has not been reported in the literature in individuals affected with RUNX2-related conditions. This sequence change creates a premature translational stop signal (p.Ser357Argfs*127) in the RUNX2 gene. While this is not anticipated to result in nonsense mediated decay, it is expected to disrupt the last 165 amino acid(s) of the RUNX2 protein.

Literature cited by the submitters: PubMed 28703881.